The following is an entry in ClinVar:

ClinVar aggregate classification (germline): Uncertain significance. Review status: criteria provided, multiple submitters, no conflicts (2 of 4 stars). 2 submissions from 2 submitters: Uncertain significance (2). Last evaluated 2025-03-19.

Conditions:
Hereditary cancer-predisposing syndrome. Also called: Neoplastic Syndromes, Hereditary; Hereditary Cancer Syndrome; Tumor predisposition; Hereditary neoplastic syndrome. Identifiers: Orphanet 140162, MedGen C0027672, MeSH D009386, MONDO:0015356.
Tuberous sclerosis 2 (TSC2). Identifiers: Orphanet 805, MedGen C1860707, MONDO:0013199, OMIM 613254.

Submissions (2):

Ambry Genetics
Classification: Uncertain significance for Hereditary cancer-predisposing syndrome. Last evaluated: 2025-03-19. Review status: criteria provided, single submitter. Criteria: Ambry Variant Classification Scheme 2023. Collection method: clinical testing. Allele origin: germline.
Comment: The c.2742+3G>C intronic variant results from a G to C substitution 3 nucleotides after coding exon 23 in the TSC2 gene. This nucleotide position is poorly conserved in available vertebrate species. In silico splice site analysis predicts that this alteration may weaken the native splice donor site and may result in the creation or strengthening of a novel splice donor site. Based on the available evidence, the clinical significance of this variant remains unclear.

Labcorp Genetics (formerly Invitae), Labcorp
Classification: Uncertain significance for Tuberous sclerosis 2. Last evaluated: 2024-07-08. Review status: criteria provided, single submitter. Criteria: Invitae Variant Classification Sherloc (09022015). Collection method: clinical testing. Allele origin: germline.
Comment: This sequence change falls in intron 24 of the TSC2 gene. It does not directly change the encoded amino acid sequence of the TSC2 protein. It affects a nucleotide within the consensus splice site. This variant is not present in population databases (gnomAD no frequency). This variant has not been reported in the literature in individuals affected with TSC2-related conditions. ClinVar contains an entry for this variant (Variation ID: 1461416). Variants that disrupt the consensus splice site are a relatively common cause of aberrant splicing (PMID: 17576681, 9536098). Algorithms developed to predict the effect of sequence changes on RNA splicing suggest that this variant may disrupt the consensus splice site. In summary, the available evidence is currently insufficient to determine the role of this variant in disease. Therefore, it has been classified as a Variant of Uncertain Significance.

Literature cited by the submitters: PubMed 17576681 (cited by Labcorp Genetics (formerly Invitae), Labcorp); PubMed 9536098 (cited by Labcorp Genetics (formerly Invitae), Labcorp).

NM_000548.5(TSC2):c.2742+3G>C

Gene: TSC2 (TSC complex subunit 2; plus strand). Cytogenetic location: 16p13.3.
Variant type: single nucleotide variant.
Coding change: c.2742+3G>C on transcript NM_000548.5 (MANE Select); 3 bases into the intron after coding-DNA position 2742, G replaced by C.
Molecular consequence: intron variant.
Genome position (GRCh38, 1-based): chr16:2,076,173, G>C. VCF-style: chr16-2076173-G-C. GRCh37 (hg19) VCF-style: chr16-2126174-G-C.
Other names: c.2742+3G>C (NM_001114382.3, NM_021055.3, NM_001370405.1 and 4 more transcripts); c.2631+3G>C (NM_001318827.2); c.2142+3G>C (NM_001318831.2); c.2595+3G>C (NM_001318829.2); c.2775+3G>C (NM_001318832.2).
Identifiers: ClinVar variation 1461416 (VCV001461416.7), dbSNP rs373935836, ClinGen allele CA2573151579.